The following is an entry in ClinVar:

NM_005862.3(STAG1):c.934A>T (p.Ile312Phe)

Gene: STAG1 (STAG1 cohesin complex component; minus strand). Cytogenetic location: 3q22.3.
Variant type: single nucleotide variant.
Coding change: c.934A>T on transcript NM_005862.3 (MANE Select); coding-DNA position 934, A replaced by T.
Protein change: p.Ile312Phe; replaces isoleucine 312 with phenylalanine.
Molecular consequence: missense variant.
Genome position (GRCh38, 1-based): chr3:136,477,381, T>A on the plus strand (A>T on the coding strand, the complement: STAG1 is on the minus strand). VCF-style: chr3-136477381-T-A. GRCh37 (hg19) VCF-style: chr3-136196223-T-A.
Other names: short protein forms I312F.
Identifiers: ClinVar variation 4539906 (VCV004539906.2).

ClinVar aggregate classification (germline): Uncertain significance (1 of 4 stars; one submission).

Submission:

GeneDx
Classification: Uncertain significance. Last evaluated: 2026-07-27. Review status: criteria provided, single submitter. Criteria: GeneDx Variant Classification Process June 2021. Collection method: clinical testing. Allele origin: germline.
Comment: Not observed at significant frequency in large population cohorts (gnomAD); In silico analysis supports that this missense variant has a deleterious effect on protein structure/function; Has not been previously published as pathogenic or benign to our knowledge